The following is an entry in ClinVar:

ClinVar aggregate classification (germline): Conflicting classifications of pathogenicity. Review status: criteria provided, conflicting classifications (1 of 4 stars). 2 submissions from 2 submitters: Uncertain significance (1); Likely benign (1). Last evaluated 2025-10-02.

Conditions:
Inborn genetic diseases. Identifiers: MedGen C0950123, MeSH D030342.

Allele frequency attached by ClinVar (database versions not stated): TOPMed 0.00003.

Submissions (2):

Ambry Genetics
Classification: Likely benign for Inborn genetic diseases. Last evaluated: 2025-10-02. Review status: criteria provided, single submitter. Criteria: Ambry Variant Classification Scheme 2023. Collection method: clinical testing. Allele origin: germline.

Labcorp Genetics (formerly Invitae), Labcorp
Classification: Uncertain significance. Last evaluated: 2024-10-24. Review status: criteria provided, single submitter. Criteria: Invitae Variant Classification Sherloc (09022015). Collection method: clinical testing. Allele origin: germline.
Comment: This sequence change replaces methionine, which is neutral and non-polar, with leucine, which is neutral and non-polar, at codon 139 of the TRMT5 protein (p.Met139Leu). This variant is present in population databases (no rsID available, gnomAD 0.01%). This variant has not been reported in the literature in individuals affected with TRMT5-related conditions. ClinVar contains an entry for this variant (Variation ID: 2414210). Invitae Evidence Modeling of protein sequence and biophysical properties (such as structural, functional, and spatial information, amino acid conservation, physicochemical variation, residue mobility, and thermodynamic stability) indicates that this missense variant is not expected to disrupt TRMT5 protein function with a negative predictive value of 80%. In summary, the available evidence is currently insufficient to determine the role of this variant in disease. Therefore, it has been classified as a Variant of Uncertain Significance.

NM_020810.3(TRMT5):c.415A>C (p.Met139Leu)

Gene: TRMT5 (tRNA methyltransferase 5; minus strand). Cytogenetic location: 14q23.1.
Variant type: single nucleotide variant.
Coding change: c.415A>C on transcript NM_020810.3 (MANE Select); coding-DNA position 415, A replaced by C.
Protein change: p.Met139Leu; replaces methionine 139 with leucine.
Molecular consequence: missense variant.
Genome position (GRCh38, 1-based): chr14:60,979,483, T>G on the plus strand (A>C on the coding strand, the complement: TRMT5 is on the minus strand). VCF-style: chr14-60979483-T-G. GRCh37 (hg19) VCF-style: chr14-61446201-T-G.
Other names: c.415A>C (NM_020810.2); c.499A>C, p.Met167Leu (NM_001350253.1); c.496A>C, p.Met166Leu (NM_001350254.1); short protein forms M139L, M166L, M167L.
Identifiers: ClinVar variation 2414210 (VCV002414210.5), dbSNP rs766273160, ClinGen allele CA389920967.